The following is an entry in ClinVar:

NM_000277.3(PAH):c.945T>A (p.Asp315Glu)

Gene: PAH (phenylalanine hydroxylase; minus strand). Cytogenetic location: 12q23.2.
Variant type: single nucleotide variant.
Coding change: c.945T>A on transcript NM_000277.3 (MANE Select); coding-DNA position 945, T replaced by A.
Protein change: p.Asp315Glu; replaces aspartic acid 315 with glutamic acid.
Molecular consequence: missense variant.
Genome position (GRCh38, 1-based): chr12:102,846,919, A>T on the plus strand (T>A on the coding strand, the complement: PAH is on the minus strand). VCF-style: chr12-102846919-A-T. GRCh37 (hg19) VCF-style: chr12-103240697-A-T.
Other names: c.945T>A, p.Asp315Glu (NM_001354304.2); short protein forms D315E.
Identifiers: ClinVar variation 1474010 (VCV001474010.5), dbSNP rs1180470263, ClinGen allele CA386291637.
Genomic context (GRCh38, chr12:102,846,919, plus strand): 5'-CACTCCACCATCCACCCAGGGAGAGAAGGGACTTACTGTGGCGAGCTTTTCAATGTATTC[A>T]TCAGGTGCACCCAGAGAGGCAAGGCCAATTTCCTGTAATTGGGGGAAAATAGAACCTGTT-3'
Protein context (NP_000268.1, residues 305-325): EIGLASLGAP[Asp315Glu]EYIEKLATIY

ClinVar aggregate classification (germline): Uncertain significance (1 of 4 stars; one submission).

Conditions:
Phenylketonuria (PKU). Also called: OLIGOPHRENIA PHENYLPYRUVICA; Phenylketonurias; Phenylketonuria (PKU); FOLLING DISEASE. Identifiers: Orphanet 716, MedGen C0031485, MONDO:0009861, OMIM 261600. Disease mechanism: loss of function.

gnomAD v4.1: 2 of 1,613,754 alleles (0.00012%); highest among the groups gnomAD compares: Non-Finnish European, 0.00017%; no homozygotes.

Submission:

Labcorp Genetics (formerly Invitae), Labcorp
Classification: Uncertain significance for Phenylketonuria. Last evaluated: 2022-05-04. Review status: criteria provided, single submitter. Criteria: Invitae Variant Classification Sherloc (09022015). Collection method: clinical testing. Allele origin: germline.
Comment: This sequence change replaces aspartic acid, which is acidic and polar, with glutamic acid, which is acidic and polar, at codon 315 of the PAH protein (p.Asp315Glu). This variant is not present in population databases (gnomAD no frequency). This variant has not been reported in the literature in individuals affected with PAH-related conditions. Advanced modeling of protein sequence and biophysical properties (such as structural, functional, and spatial information, amino acid conservation, physicochemical variation, residue mobility, and thermodynamic stability) performed at Invitae indicates that this missense variant is expected to disrupt PAH protein function. In summary, the available evidence is currently insufficient to determine the role of this variant in disease. Therefore, it has been classified as a Variant of Uncertain Significance.